The following is an entry in ClinVar:

ClinVar aggregate classification (germline): Pathogenic (1 of 4 stars; one submission).

Conditions:
Charcot-Marie-Tooth Neuropathy X. Identifiers: MedGen CN118851.

Submission:

Labcorp Genetics (formerly Invitae), Labcorp
Classification: Pathogenic for Charcot-Marie-Tooth Neuropathy X. Last evaluated: 2021-08-07. Review status: criteria provided, single submitter. Criteria: Invitae Variant Classification Sherloc (09022015). Collection method: clinical testing. Allele origin: germline.
Comment: This variant has not been reported in the literature in individuals affected with GJB1-related conditions. For these reasons, this variant has been classified as Pathogenic. This variant disrupts a region of the GJB1 protein in which other variant(s) (p.Arg220*) have been determined to be pathogenic (PMID: 7477983, 8162049, 9364054, 21291455). This suggests that this is a clinically significant region of the protein, and that variants that disrupt it are likely to be disease-causing. This variant is not present in population databases (ExAC no frequency). This sequence change creates a premature translational stop signal (p.Met162Trpfs*34) in the GJB1 gene. While this is not anticipated to result in nonsense mediated decay, it is expected to disrupt the last 122 amino acid(s) of the GJB1 protein.

Literature cited by the submitters: PubMed 7477983; PubMed 8162049; PubMed 9364054; PubMed 21291455.

NM_000166.6(GJB1):c.484del (p.Met162fs)

Gene: GJB1 (gap junction protein beta 1; plus strand). Cytogenetic location: Xq13.1.
Variant type: Deletion.
Coding change: c.484del on transcript NM_000166.6 (MANE Select); coding-DNA position 484, one base deleted (A; older notation c.484delA).
Protein change: p.Met162fs; shifts the reading frame from methionine 162.
Molecular consequence: frameshift variant.
Genome position (GRCh38, 1-based): chrX:71,224,191, A deleted. VCF-style (leftmost placement, unchanged base first): chrX-71224190-CA-C. GRCh37 (hg19) VCF-style: chrX-70444040-CA-C.
Other names: c.484del, p.Met162fs (NM_001097642.3); short protein forms M162fs.
Identifiers: ClinVar variation 1405988 (VCV001405988.6), dbSNP rs2147946319, ClinGen allele CA2573159493.
Genomic context (GRCh38, chrX:71,224,190, plus strand): 5'-CCGGCTGTTGTTTGAGGCCGTCTTCATGTATGTCTTTTATCTGCTCTACCCTGGCTATGC[CA>C]TGGTGCGGCTGGTCAAGTGCGACGTCTACCCCTGCCCCAACACAGTGGACTGCTTCGTGT-3'